The following is an entry in ClinVar:

ClinVar aggregate classification (germline): Uncertain significance. Review status: criteria provided, single submitter (1 of 4 stars). 2 submissions from 2 submitters: Uncertain significance (1). 1 of the submissions does not count toward it. Last evaluated 2021-09-01.

Conditions:
Autosomal recessive limb-girdle muscular dystrophy type 2D (LGMDR3). Also called: DUCHENNE-LIKE AUTOSOMAL RECESSIVE MUSCULAR DYSTROPHY, TYPE 2; ADHALINOPATHY, PRIMARY; MUSCULAR DYSTROPHY, LIMB-GIRDLE, AUTOSOMAL RECESSIVE 3. Identifiers: Orphanet 62, MedGen C2936332, MONDO:0011968, OMIM 608099. Disease mechanism: Affects gamma-sarcoglycan and also disrupts the integrity of the entire sarcoglycan complex..

Allele frequency attached by ClinVar (database versions not stated): gnomAD exomes 0.00001; gnomAD 0.00008; TOPMed 0.00009.
gnomAD v4.1: 25 of 1,559,612 alleles (0.0016%); highest among the groups gnomAD compares: African/African-American, 0.02%; no homozygotes.

Submissions (2):

Labcorp Genetics (formerly Invitae), Labcorp
Classification: Uncertain significance for Autosomal recessive limb-girdle muscular dystrophy type 2D. Last evaluated: 2021-09-01. Review status: criteria provided, single submitter. Criteria: Invitae Variant Classification Sherloc (09022015). Collection method: clinical testing. Allele origin: germline.
Comment: This sequence change replaces aspartic acid with valine at codon 328 of the SGCA protein (p.Asp328Val). The aspartic acid residue is moderately conserved and there is a large physicochemical difference between aspartic acid and valine. This variant is not present in population databases (ExAC no frequency). This variant has not been reported in the literature in individuals affected with SGCA-related conditions. Algorithms developed to predict the effect of missense changes on protein structure and function are either unavailable or do not agree on the potential impact of this missense change (SIFT: "Tolerated"; PolyPhen-2: "Possibly Damaging"; Align-GVGD: "Class C0"). In summary, the available evidence is currently insufficient to determine the role of this variant in disease. Therefore, it has been classified as a Variant of Uncertain Significance.

Natera, Inc.
Classification: Uncertain significance for Limb-girdle muscular dystrophy type 2D. Last evaluated: 2020-10-25. Review status: no assertion criteria provided. Collection method: clinical testing. Allele origin: germline. Not counted in ClinVar's aggregate classification.

NM_000023.4(SGCA):c.983A>T (p.Asp328Val)

Gene: SGCA (sarcoglycan alpha; plus strand). Cytogenetic location: 17q21.33.
Variant type: single nucleotide variant.
Coding change: c.983A>T on transcript NM_000023.4 (MANE Select); coding-DNA position 983, A replaced by T.
Protein change: p.Asp328Val; replaces aspartic acid 328 with valine.
Molecular consequence: missense variant. On other transcripts: non-coding transcript variant (1).
Genome position (GRCh38, 1-based): chr17:50,170,666, A>T. VCF-style: chr17-50170666-A-T. GRCh37 (hg19) VCF-style: chr17-48248027-A-T.
Other names: c.611A>T, p.Asp204Val (NM_001135697.3); short protein forms D204V, D328V.
Identifiers: ClinVar variation 641422 (VCV000641422.6), dbSNP rs966135192, ClinGen allele CA291537229.
Genomic context (GRCh38, chr17:50,170,666, plus strand): 5'-AGCTGGGCTAACCCTCTCCTTCACTTTTCCACAGGCTGAAGAGAGACCTGGCTACCTCCG[A>T]GTGAGTAAAGGAAAGCTGGGGGTGGGGTGGGAGCCCACCTAGACAGTTGTTGGACCCCGC-3'
Protein context (NP_000014.1, residues 318-338): GRLKRDLATS[Asp328Val]IQMVHHCTIH